The following is an entry in ClinVar:

NM_006702.5(PNPLA6):c.-261T>C

Gene: PNPLA6 (patatin like domain 6, lysophospholipase; plus strand). Cytogenetic location: 19p13.2.
Variant type: single nucleotide variant.
Coding change: c.-261T>C on transcript NM_006702.5; 261 bases upstream of the start codon, T replaced by C.
Molecular consequence: 5 prime UTR variant.
Genome position (GRCh38, 1-based): chr19:7,534,174, T>C. VCF-style: chr19-7534174-T-C. GRCh37 (hg19) VCF-style: chr19-7599060-T-C.
Identifiers: ClinVar variation 369302 (VCV000369302.10), dbSNP rs560849, ClinGen allele CA10654601.

ClinVar aggregate classification (germline): Benign. Review status: criteria provided, multiple submitters, no conflicts (2 of 4 stars). 3 submissions from 3 submitters: Benign (3). Last evaluated 2022-03-28.

Conditions:
Hereditary spastic paraplegia 39 (SPG39). Also called: Spastic Paraplegia Type 39 (SPG39); SPASTIC PARAPLEGIA 39, AUTOSOMAL RECESSIVE. Identifiers: Orphanet 139480, MedGen C2677586, MONDO:0012787, OMIM 612020.

Allele frequency attached by ClinVar (database versions not stated): gnomAD exomes 0.26986; gnomAD 0.29546 and 0.29741; 1000 Genomes Project 30x 0.33776; 1000 Genomes Project 0.34046; TOPMed 0.30718.
gnomAD v4.1: 101,788 of 362,652 alleles (28%); highest among the groups gnomAD compares: Admixed American, 43%; 15,542 homozygotes.

Submissions (3):

GeneDx
Classification: Benign. Last evaluated: 2022-03-28. Review status: criteria provided, single submitter. Criteria: GeneDx Variant Classification Process June 2021. Collection method: clinical testing. Allele origin: germline. Affected: yes.

Illumina Laboratory Services, Illumina
Classification: Benign for Hereditary spastic paraplegia 39. Last evaluated: 2018-01-13. Review status: criteria provided, single submitter. Criteria: ICSL Variant Classification Criteria 13 December 2019. Collection method: clinical testing. Allele origin: germline.
Comment: This variant was observed in the ICSL laboratory as part of a predisposition screen in an ostensibly healthy population. It had not been previously curated by ICSL or reported in the Human Gene Mutation Database (HGMD: prior to June 1st, 2018), and was therefore a candidate for classification through an automated scoring system. Utilizing variant allele frequency, disease prevalence and penetrance estimates, and inheritance mode, an automated score was calculated to assess if this variant is too frequent to cause the disease. Based on the score and internal cut-off values, a variant classified as benign is not then subjected to further curation. The score for this variant resulted in a classification of benign for this disease.

Breakthrough Genomics
Classification: Benign. Review status: criteria provided, single submitter. Criteria: ACMG Guidelines, 2015. Collection method: not provided. Allele origin: germline. Inheritance: Autosomal recessive inheritance. Affected: yes.